The following is an entry in ClinVar:

NM_000292.3(PHKA2):c.1605C>A (p.Asp535Glu)

Gene: PHKA2 (phosphorylase kinase regulatory subunit alpha 2; minus strand). Cytogenetic location: Xp22.13.
Variant type: single nucleotide variant.
Coding change: c.1605C>A on transcript NM_000292.3 (MANE Select); coding-DNA position 1605, C replaced by A.
Protein change: p.Asp535Glu; replaces aspartic acid 535 with glutamic acid.
Molecular consequence: missense variant.
Genome position (GRCh38, 1-based): chrX:18,924,490, G>T on the plus strand (C>A on the coding strand, the complement: PHKA2 is on the minus strand). VCF-style: chrX-18924490-G-T. GRCh37 (hg19) VCF-style: chrX-18942608-G-T.
Other names: c.1605C>A, p.Asp535Glu (NM_001440800.1, NM_001440801.1, NM_001440805.1); c.1506C>A, p.Asp502Glu (NM_001440802.1, NM_001440803.1, NM_001440804.1); short protein forms D502E, D535E.
Identifiers: ClinVar variation 5038157 (VCV005038157.1).

ClinVar aggregate classification (germline): Uncertain significance (1 of 4 stars; one submission).

Conditions:
Glycogen storage disease IXa1. Also called: LIVER GLYCOGENOSIS, X-LINKED, TYPE I; GLYCOGEN STORAGE DISEASE VIII; GSD VIII; Glycogen storage disease 8. Identifiers: Orphanet 264580, MedGen C3694531, MONDO:0010598, OMIM 306000.

Submission:

MVZ Medizinische Genetik Mainz
Classification: Uncertain significance for Glycogen storage disease IXa1. Last evaluated: 2026-09-24. Review status: criteria provided, single submitter. Criteria: UK Practice Guidelines For Variant Classification V4 01 2020. Collection method: clinical testing. Allele origin: germline. Inheritance: X-linked recessive inheritance. Affected: yes. Observed: 1 variant allele.
Comment: ACMG Criteria: PP3_STR,PM2_SUP